The following is an entry in ClinVar:

ClinVar aggregate classification (germline): Uncertain significance (1 of 4 stars; one submission).

Submission:

GeneDx
Classification: Uncertain significance. Last evaluated: 2025-03-27. Review status: criteria provided, single submitter. Criteria: GeneDx Variant Classification Process June 2021. Collection method: clinical testing. Allele origin: germline. Affected: yes.
Comment: Not observed at significant frequency in large population cohorts (gnomAD); In-frame deletion of 7 amino acids in a non-repeat region; In silico analysis indicates that this variant does not alter protein structure/function; Has not been previously published as pathogenic or benign to our knowledge

NM_019066.5(MAGEL2):c.2209_2229del (p.Thr737_Arg743del)

Gene: MAGEL2 (MAGE family member L2; minus strand). Cytogenetic location: 15q11.2.
Variant type: Deletion.
Coding change: c.2209_2229del on transcript NM_019066.5 (MANE Select); coding-DNA positions 2209 to 2229, 21 bases deleted (ACCTCCTCGAAGGAGCGCAGG).
Protein change: p.Thr737_Arg743del.
Genome position (GRCh38, 1-based): chr15:23,645,514-23,645,534, CCTGCGCTCCTTCGAGGAGGT deleted on the plus strand (ACCTCCTCGAAGGAGCGCAGG on the coding strand, the reverse complement: MAGEL2 is on the minus strand); deleting any 21 consecutive bases within chr15:23,645,514-23,645,543 gives the same sequence; the c. name uses the placement nearest the transcript's 3' end. VCF-style (leftmost placement, unchanged base first): chr15-23645513-CCCTGCGCTCCTTCGAGGAGGT-C. GRCh37 (hg19) VCF-style: chr15-23890660-CCCTGCGCTCCTTCGAGGAGGT-C.
Identifiers: ClinVar variation 4088075 (VCV004088075.1).